The following is an entry in ClinVar:

NM_000018.4(ACADVL):c.1519A>G (p.Lys507Glu)

Gene: ACADVL (acyl-CoA dehydrogenase very long chain; plus strand). Cytogenetic location: 17p13.1.
Variant type: single nucleotide variant.
Coding change: c.1519A>G on transcript NM_000018.4 (MANE Select); coding-DNA position 1519, A replaced by G.
Protein change: p.Lys507Glu; replaces lysine 507 with glutamic acid.
Molecular consequence: missense variant.
Genome position (GRCh38, 1-based): chr17:7,224,230, A>G. VCF-style: chr17-7224230-A-G. GRCh37 (hg19) VCF-style: chr17-7127549-A-G.
Other names: c.1453A>G, p.Lys485Glu (NM_001033859.3); c.1588A>G, p.Lys530Glu (NM_001270447.2); c.1291A>G, p.Lys431Glu (NM_001270448.2); short protein forms K530E, K431E, K485E, K507E.
Identifiers: ClinVar variation 2955031 (VCV002955031.3), dbSNP rs1217344032, ClinGen allele CA397725291.
Genomic context (GRCh38, chr17:7,224,230, plus strand): 5'-CTTGGCAGTGCTCTAAAGAATCCCTTTGGGAATGCTGGCCTCCTGCTAGGAGAGGCAGGC[A>G]AACAGCTGAGGCGGTAGGCTTAGGGCCAGAGCCAGGGGAGGGCAGGGTGGTGTATGGCAA-3'
Protein context (NP_000009.1, residues 497-517): NAGLLLGEAG[Lys507Glu]QLRRRAGLGS

ClinVar aggregate classification (germline): Uncertain significance (1 of 4 stars; one submission).

Conditions:
Very long chain acyl-CoA dehydrogenase deficiency (ACADVLD). Also called: VLCAD Deficiency; Very Long-Chain Acyl-Coenzyme A Dehydrogenase Deficiency. Identifiers: Orphanet 26793, MedGen C3887523, MONDO:0008723, OMIM 201475.

Allele frequency attached by ClinVar (database versions not stated): gnomAD exomes below 0.00001.
gnomAD v4.1: 2 of 1,614,016 alleles (0.00012%); highest among the groups gnomAD compares: East Asian, 0.0022%; no homozygotes.

Submission:

Labcorp Genetics (formerly Invitae), Labcorp
Classification: Uncertain significance for Very long chain acyl-CoA dehydrogenase deficiency. Last evaluated: 2024-10-21. Review status: criteria provided, single submitter. Criteria: Invitae Variant Classification Sherloc (09022015). Collection method: clinical testing. Allele origin: germline.
Comment: This sequence change replaces lysine, which is basic and polar, with glutamic acid, which is acidic and polar, at codon 507 of the ACADVL protein (p.Lys507Glu). This variant is present in population databases (no rsID available, gnomAD 0.006%). This variant has not been reported in the literature in individuals affected with ACADVL-related conditions. Invitae Evidence Modeling of protein sequence and biophysical properties (such as structural, functional, and spatial information, amino acid conservation, physicochemical variation, residue mobility, and thermodynamic stability) has been performed for this missense variant. However, the output from this modeling did not meet the statistical confidence thresholds required to predict the impact of this variant on ACADVL protein function. This variant disrupts the p.Lys507 amino acid residue in ACADVL. Other variant(s) that disrupt this residue have been determined to be pathogenic (internal data). This suggests that this residue is clinically significant, and that variants that disrupt this residue are likely to be disease-causing. In summary, the available evidence is currently insufficient to determine the role of this variant in disease. Therefore, it has been classified as a Variant of Uncertain Significance.